The following is an entry in ClinVar:

NM_014956.5(CEP164):c.2466T>G (p.Ser822=)

Gene: CEP164 (centrosomal protein 164; plus strand). Cytogenetic location: 11q23.3.
Variant type: single nucleotide variant.
Coding change: c.2466T>G on transcript NM_014956.5 (MANE Select); coding-DNA position 2466, T replaced by G.
Protein change: p.Ser822=; no amino-acid change (serine 822 retained).
Molecular consequence: synonymous variant.
Genome position (GRCh38, 1-based): chr11:117,392,600, T>G. VCF-style: chr11-117392600-T-G. GRCh37 (hg19) VCF-style: chr11-117263316-T-G.
Other names: c.2475T>G, p.Ser825= (NM_001271933.2); c.2466T>G (NM_014956.4).
Identifiers: ClinVar variation 1541958 (VCV001541958.10), dbSNP rs563608251, ClinGen allele CA476896459.
Genomic context (GRCh38, chr11:117,392,600, plus strand): 5'-AGAGGAGGCCCAGCTGCAGAAGTGCCTTGGGCAAGTGGAGCACAGAGTTCACCAGAAGTC[T>G]TATCACGTGGCTGGGTATGAGCACGAGGTGAGTGCTGCTCTGTCTTCCACAGTCGTGTGC-3'
Protein context (NP_055771.4, residues 812-832): GQVEHRVHQK[Ser822=]YHVAGYEHEL

ClinVar aggregate classification (germline): Likely benign. Review status: criteria provided, single submitter (1 of 4 stars). 2 submissions from 2 submitters: Likely benign (1). 1 of the submissions does not count toward it. Last evaluated 2024-04-22.

Conditions:
CEP164-related disorder. Also called: CEP164-related condition.
Nephronophthisis 15 (NPHP15). Identifiers: Orphanet 3156, MedGen C3541853, MONDO:0013917, OMIM 614845.

gnomAD v4.1: 2 of 1,614,144 alleles (0.00012%); highest among the groups gnomAD compares: Admixed American, 0.0033%; no homozygotes.

Submissions (2):

Labcorp Genetics (formerly Invitae), Labcorp
Classification: Likely benign for Nephronophthisis 15. Last evaluated: 2024-04-22. Review status: criteria provided, single submitter. Criteria: Invitae Variant Classification Sherloc (09022015). Collection method: clinical testing. Allele origin: germline.

PreventionGenetics, part of Exact Sciences
Classification: Likely benign for CEP164-related condition. Last evaluated: 2024-02-29. Review status: no assertion criteria provided. Collection method: clinical testing. Allele origin: germline. Not counted in ClinVar's aggregate classification.
Comment: This variant is classified as likely benign based on ACMG/AMP sequence variant interpretation guidelines (Richards et al. 2015 PMID: 25741868, with internal and published modifications).